The following is an entry in ClinVar:

ClinVar aggregate classification (germline): Conflicting classifications of pathogenicity. Review status: criteria provided, conflicting classifications (1 of 4 stars). 2 submissions from 2 submitters: Uncertain significance (1); Likely benign (1). Last evaluated 2024-07-18.

Allele frequency attached by ClinVar (database versions not stated): gnomAD exomes 0.00004 and 0.00012; ExAC 0.00017; ESP Exome Variant Server 0.00031; gnomAD 0.00033 and 0.00035; TOPMed 0.00039; 1000 Genomes Project 30x 0.00062; 1000 Genomes Project 0.00080.

Submissions (2):

Blueprint Genetics
Classification: Likely benign. Last evaluated: 2024-07-18. Review status: criteria provided, single submitter. Criteria: ACMG Guidelines, 2015. Collection method: clinical testing. Allele origin: germline.

Labcorp Genetics (formerly Invitae), Labcorp
Classification: Uncertain significance. Last evaluated: 2022-08-23. Review status: criteria provided, single submitter. Criteria: Invitae Variant Classification Sherloc (09022015). Collection method: clinical testing. Allele origin: germline.
Comment: This sequence change replaces arginine, which is basic and polar, with cysteine, which is neutral and slightly polar, at codon 815 of the CDH3 protein (p.Arg815Cys). This variant is present in population databases (rs34412115, gnomAD 0.1%). This variant has not been reported in the literature in individuals affected with CDH3-related conditions. ClinVar contains an entry for this variant (Variation ID: 853055). Algorithms developed to predict the effect of missense changes on protein structure and function are either unavailable or do not agree on the potential impact of this missense change (SIFT: "Not Available"; PolyPhen-2: "Probably Damaging"; Align-GVGD: "Not Available"). In summary, the available evidence is currently insufficient to determine the role of this variant in disease. Therefore, it has been classified as a Variant of Uncertain Significance.

NM_001793.6(CDH3):c.2443C>T (p.Arg815Cys)

Gene: CDH3 (cadherin 3; plus strand). Cytogenetic location: 16q22.1.
Variant type: single nucleotide variant.
Coding change: c.2443C>T on transcript NM_001793.6 (MANE Select); coding-DNA position 2443, C replaced by T.
Protein change: p.Arg815Cys; replaces arginine 815 with cysteine.
Molecular consequence: missense variant. On other transcripts: 3 prime UTR variant (1).
Genome position (GRCh38, 1-based): chr16:68,698,353, C>T. VCF-style: chr16-68698353-C-T. GRCh37 (hg19) VCF-style: chr16-68732256-C-T.
Other names: c.*186C>T (NM_001317195.3); c.2278C>T, p.Arg760Cys (NM_001317196.2); short protein forms R760C, R815C.
Identifiers: ClinVar variation 853055 (VCV000853055.6), dbSNP rs34412115, ClinGen allele CA8129744.